The following is an entry in ClinVar:

ClinVar aggregate classification (germline): Likely pathogenic (1 of 4 stars; one submission).

Conditions:
Intellectual disability. Also called: Intellectual functioning disability; Intellectual developmental disorder; intellectual disabilities. Identifiers: MedGen C3714756, MeSH D008607, MONDO:0001071, HP:0001249.

Submission:

Labcorp Genetics (formerly Invitae), Labcorp
Classification: Likely pathogenic for Intellectual disability. Last evaluated: 2023-01-12. Review status: criteria provided, single submitter. Criteria: Invitae Variant Classification Sherloc (09022015). Collection method: clinical testing. Allele origin: germline.
Comment: This missense change has been observed in individual(s) with clinical features of GABRB2-related conditions (Invitae). In at least one individual the variant was observed to be de novo. This variant is not present in population databases (gnomAD no frequency). This sequence change replaces phenylalanine, which is neutral and non-polar, with leucine, which is neutral and non-polar, at codon 224 of the GABRB2 protein (p.Phe224Leu). ClinVar contains an entry for this variant (Variation ID: 1464197). In summary, the currently available evidence indicates that the variant is pathogenic, but additional data are needed to prove that conclusively. Therefore, this variant has been classified as Likely Pathogenic. This variant disrupts the p.Phe224 amino acid residue in GABRB2. Other variant(s) that disrupt this residue have been observed in individuals with GABRB2-related conditions (PMID: 32686847), which suggests that this may be a clinically significant amino acid residue. Advanced modeling of protein sequence and biophysical properties (such as structural, functional, and spatial information, amino acid conservation, physicochemical variation, residue mobility, and thermodynamic stability) has been performed at Invitae for this missense variant, however the output from this modeling did not meet the statistical confidence thresholds required to predict the impact of this variant on GABRB2 protein function.

Literature cited by the submitters: PubMed 32686847.

NM_001371727.1(GABRB2):c.672T>A (p.Phe224Leu)

Gene: GABRB2 (gamma-aminobutyric acid type A receptor subunit beta2; minus strand). Cytogenetic location: 5q34.
Variant type: single nucleotide variant.
Coding change: c.672T>A on transcript NM_001371727.1 (MANE Select); coding-DNA position 672, T replaced by A.
Protein change: p.Phe224Leu; replaces phenylalanine 224 with leucine.
Molecular consequence: missense variant.
Genome position (GRCh38, 1-based): chr5:161,336,639, A>T on the plus strand (T>A on the coding strand, the complement: GABRB2 is on the minus strand). VCF-style: chr5-161336639-A-T. GRCh37 (hg19) VCF-style: chr5-160763646-A-T.
Other names: c.672T>A, p.Phe224Leu (NM_000813.3, NM_021911.3); short protein forms F224L.
Identifiers: ClinVar variation 1464197 (VCV001464197.8), dbSNP rs2113408096, ClinGen allele CA362171841.